The following is an entry in ClinVar:

NM_024079.5(ALG8):c.413C>T (p.Thr138Ile)

Gene: ALG8 (ALG8 alpha-1,3-glucosyltransferase; minus strand). Cytogenetic location: 11q14.1.
Variant type: single nucleotide variant.
Coding change: c.413C>T on transcript NM_024079.5 (MANE Select); coding-DNA position 413, C replaced by T.
Protein change: p.Thr138Ile; replaces threonine 138 with isoleucine.
Molecular consequence: missense variant. On other transcripts: 5 prime UTR variant (2), non-coding transcript variant (2).
Genome position (GRCh38, 1-based): chr11:78,121,130, G>A on the plus strand (C>T on the coding strand, the complement: ALG8 is on the minus strand). VCF-style: chr11-78121130-G-A. GRCh37 (hg19) VCF-style: chr11-77832176-G-A.
Other names: c.413C>T, p.Thr138Ile (NM_001007027.3, NM_001425221.1, NM_001425222.1 and 13 more transcripts); c.416C>T, p.Thr139Ile (NM_001425219.1); c.398C>T, p.Thr133Ile (NM_001425220.1); c.260C>T, p.Thr87Ile (NM_001425226.1, NM_001425235.1, NM_001425236.1); c.212C>T, p.Thr71Ile (NM_001425231.1); c.149C>T, p.Thr50Ile (NM_001425234.1, NM_001425239.1); c.-104C>T (NM_001425241.1); c.-138C>T (NM_001425242.1); short protein forms T138I, T50I, T133I, T139I, T71I, T87I.
Identifiers: ClinVar variation 4709004 (VCV004709004.1).
Genomic context (GRCh38, chr11:78,121,130, plus strand): 5'-ACAATTAATAACCCGAAGTTCCACAGAAGTAATACCGACAGAATAAATTTTGGCTTTTCT[G>A]TAAGTTCTTTACCCACTTTTTTTCCATCAATGCATTTACAGCACCTACATTGAAACATTA-3'
Protein context (NP_076984.2, residues 128-148): IDGKKVGKEL[Thr138Ile]EKPKFILSVL

ClinVar aggregate classification (germline): Uncertain significance (1 of 4 stars; one submission).

Conditions:
ALG8 congenital disorder of glycosylation. Also called: CONGENITAL DISORDER OF GLYCOSYLATION, TYPE Ih; ALG8-CDG; CDG Ih. Identifiers: Orphanet 79325, MedGen C2931002, MONDO:0011969, OMIM 608104.

gnomAD v4.1: 5 of 1,613,748 alleles (0.00031%); highest among the groups gnomAD compares: South Asian, 0.0055%; no homozygotes.

Submission:

Labcorp Genetics (formerly Invitae), Labcorp
Classification: Uncertain significance for ALG8 congenital disorder of glycosylation. Last evaluated: 2026-02-01. Review status: criteria provided, single submitter. Criteria: Invitae Variant Classification Sherloc (09022015). Collection method: clinical testing. Allele origin: germline.
Comment: This sequence change replaces threonine, which is neutral and polar, with isoleucine, which is neutral and non-polar, at codon 138 of the ALG8 protein (p.Thr138Ile). This variant is not present in population databases (gnomAD no frequency). This variant has not been reported in the literature in individuals affected with ALG8-related conditions. Invitae Evidence Modeling of protein sequence and biophysical properties (such as structural, functional, and spatial information, amino acid conservation, physicochemical variation, residue mobility, and thermodynamic stability) indicates that this missense variant is not expected to disrupt ALG8 protein function with a negative predictive value of 80%. Algorithms developed to predict the effect of sequence changes on RNA splicing suggest that this variant may disrupt the consensus splice site. In summary, the available evidence is currently insufficient to determine the role of this variant in disease. Therefore, it has been classified as a Variant of Uncertain Significance.